The following is an entry in ClinVar:

ClinVar aggregate classification (germline): Uncertain significance (1 of 4 stars; one submission).

Conditions:
Joubert syndrome. Also called: CEREBELLOPARENCHYMAL DISORDER IV; JOUBERT-BOLTSHAUSER SYNDROME; Familial aplasia of the vermis. Identifiers: Orphanet 475, MedGen C5979921, MONDO:0018772.

gnomAD v4.1: 2 of 1,600,710 alleles (0.00012%); highest among the groups gnomAD compares: Non-Finnish European, 0.00017%; no homozygotes.

Submission:

Labcorp Genetics (formerly Invitae), Labcorp
Classification: Uncertain significance for Joubert syndrome. Last evaluated: 2021-12-27. Review status: criteria provided, single submitter. Criteria: Invitae Variant Classification Sherloc (09022015). Collection method: clinical testing. Allele origin: germline.
Comment: This sequence change replaces tryptophan, which is neutral and slightly polar, with glycine, which is neutral and non-polar, at codon 420 of the AHI1 protein (p.Trp420Gly). This variant is not present in population databases (gnomAD no frequency). This variant has not been reported in the literature in individuals affected with AHI1-related conditions. Advanced modeling of protein sequence and biophysical properties (such as structural, functional, and spatial information, amino acid conservation, physicochemical variation, residue mobility, and thermodynamic stability) performed at Invitae indicates that this missense variant is expected to disrupt AHI1 protein function. In summary, the available evidence is currently insufficient to determine the role of this variant in disease. Therefore, it has been classified as a Variant of Uncertain Significance.

NM_001134831.2(AHI1):c.1258T>G (p.Trp420Gly)

Gene: AHI1 (Abelson helper integration site 1; minus strand). Cytogenetic location: 6q23.3.
Variant type: single nucleotide variant.
Coding change: c.1258T>G on transcript NM_001134831.2 (MANE Select); coding-DNA position 1258, T replaced by G.
Protein change: p.Trp420Gly; replaces tryptophan 420 with glycine.
Molecular consequence: missense variant.
Genome position (GRCh38, 1-based): chr6:135,455,820, A>C on the plus strand (T>G on the coding strand, the complement: AHI1 is on the minus strand). VCF-style: chr6-135455820-A-C. GRCh37 (hg19) VCF-style: chr6-135776958-A-C.
Other names: c.1258T>G, p.Trp420Gly (NM_001134830.2, NM_001134832.2, NM_001350503.2 and 2 more transcripts); short protein forms W420G.
Identifiers: ClinVar variation 2152796 (VCV002152796.1), dbSNP rs2484882660, ClinGen allele CA365746542.